The following is an entry in ClinVar:

ClinVar aggregate classification (germline): Uncertain significance. Review status: criteria provided, multiple submitters, no conflicts (2 of 4 stars). 2 submissions from 2 submitters: Uncertain significance (2). Last evaluated 2026-03-13.

Conditions:
Hereditary cancer-predisposing syndrome. Also called: Tumor predisposition; Hereditary Cancer Syndrome; Hereditary neoplastic syndrome; Neoplastic Syndromes, Hereditary. Identifiers: Orphanet 140162, MedGen C0027672, MeSH D009386, MONDO:0015356.

Submissions (2):

Ambry Genetics
Classification: Uncertain significance for Hereditary cancer-predisposing syndrome. Last evaluated: 2026-03-13. Review status: criteria provided, single submitter. Criteria: Ambry Variant Classification Scheme 2023. Collection method: clinical testing. Allele origin: germline.
Comment: The p.F2163L variant (also known as c.6487T>C), located in coding exon 46 of the POLE gene, results from a T to C substitution at nucleotide position 6487. The phenylalanine at codon 2163 is replaced by leucine, an amino acid with highly similar properties. This amino acid position is well conserved in available vertebrate species. In addition, this alteration is predicted to be tolerated by in silico analysis. Based on the available evidence, the clinical significance of this variant remains unclear.

Labcorp Genetics (formerly Invitae), Labcorp
Classification: Uncertain significance. Last evaluated: 2024-05-29. Review status: criteria provided, single submitter. Criteria: Invitae Variant Classification Sherloc (09022015). Collection method: clinical testing. Allele origin: germline.
Comment: This sequence change replaces phenylalanine, which is neutral and non-polar, with leucine, which is neutral and non-polar, at codon 2163 of the POLE protein (p.Phe2163Leu). This variant is not present in population databases (gnomAD no frequency). This variant has not been reported in the literature in individuals affected with POLE-related conditions. Advanced modeling of protein sequence and biophysical properties (such as structural, functional, and spatial information, amino acid conservation, physicochemical variation, residue mobility, and thermodynamic stability) performed at Invitae indicates that this missense variant is not expected to disrupt POLE protein function with a negative predictive value of 80%. In summary, the available evidence is currently insufficient to determine the role of this variant in disease. Therefore, it has been classified as a Variant of Uncertain Significance.

NM_006231.4(POLE):c.6487T>C (p.Phe2163Leu)

Gene: POLE (DNA polymerase epsilon, catalytic subunit; minus strand). Cytogenetic location: 12q24.33.
Variant type: single nucleotide variant.
Coding change: c.6487T>C on transcript NM_006231.4 (MANE Select); coding-DNA position 6487, T replaced by C.
Protein change: p.Phe2163Leu; replaces phenylalanine 2163 with leucine.
Molecular consequence: missense variant.
Genome position (GRCh38, 1-based): chr12:132,626,161, A>G on the plus strand (T>C on the coding strand, the complement: POLE is on the minus strand). VCF-style: chr12-132626161-A-G. GRCh37 (hg19) VCF-style: chr12-133202747-A-G.
Other names: c.6487T>C (NM_006231.2); short protein forms F2163L.
Identifiers: ClinVar variation 2776591 (VCV002776591.4), dbSNP rs2541841249, ClinGen allele CA387367308.